The following is an entry in ClinVar:

ClinVar aggregate classification (germline): Likely benign (1 of 4 stars; one submission).

Conditions:
PLXNA3-related disorder. Also called: PLXNA3-related condition.

gnomAD v4.1: 10 of 1,211,044 alleles (0.00083%); highest among the groups gnomAD compares: Middle Eastern, 0.046%; no homozygotes.

Submission:

PreventionGenetics, part of Exact Sciences
Classification: Likely benign for PLXNA3-related condition. Last evaluated: 2025-03-04. Review status: criteria provided, single submitter. Criteria: ACMG Guidelines, 2015. Collection method: clinical testing. Allele origin: germline.
Comment: This variant is classified as likely benign based on ACMG/AMP sequence variant interpretation guidelines (Richards et al. 2015 PMID: 25741868, with internal and published modifications).

NM_017514.5(PLXNA3):c.4494C>T (p.Leu1498=)

Gene: PLXNA3 (plexin A3; plus strand). Cytogenetic location: Xq28.
Variant type: single nucleotide variant.
Coding change: c.4494C>T on transcript NM_017514.5 (MANE Select); coding-DNA position 4494, C replaced by T.
Protein change: p.Leu1498=; no amino-acid change (leucine 1498 retained).
Molecular consequence: synonymous variant.
Genome position (GRCh38, 1-based): chrX:154,469,115, C>T. VCF-style: chrX-154469115-C-T. GRCh37 (hg19) VCF-style: chrX-153697458-C-T.
Identifiers: ClinVar variation 4979797 (VCV004979797.1).